The following is an entry in ClinVar:

ClinVar aggregate classification (germline): Uncertain significance. Review status: criteria provided, multiple submitters, no conflicts (2 of 4 stars). 2 submissions from 2 submitters: Uncertain significance (2). Last evaluated 2024-12-04.

Conditions:
Hereditary cancer-predisposing syndrome. Also called: Tumor predisposition; Neoplastic Syndromes, Hereditary; Hereditary Cancer Syndrome; Hereditary neoplastic syndrome. Identifiers: Orphanet 140162, MedGen C0027672, MeSH D009386, MONDO:0015356.
Ataxia-telangiectasia syndrome (AT). Also called: ATAXIA-TELANGIECTASIA, COMPLEMENTATION GROUP A; ATAXIA-TELANGIECTASIA, FRESNO VARIANT; Ataxia-telangiectasia; Ataxia-telangiectasia, complementation group D; AT, COMPLEMENTATION GROUP C; Ataxia-telangiectasia, complementation group E. Identifiers: Orphanet 100, MedGen C0004135, MONDO:0008840, OMIM 208900.

Submissions (2):

Labcorp Genetics (formerly Invitae), Labcorp
Classification: Uncertain significance for Ataxia-telangiectasia syndrome. Last evaluated: 2024-12-04. Review status: criteria provided, single submitter. Criteria: Invitae Variant Classification Sherloc (09022015). Collection method: clinical testing. Allele origin: germline.
Comment: This sequence change replaces aspartic acid, which is acidic and polar, with histidine, which is basic and polar, at codon 2625 of the ATM protein (p.Asp2625His). This variant is not present in population databases (gnomAD no frequency). This variant has not been reported in the literature in individuals affected with ATM-related conditions. ClinVar contains an entry for this variant (Variation ID: 827300). Invitae Evidence Modeling of protein sequence and biophysical properties (such as structural, functional, and spatial information, amino acid conservation, physicochemical variation, residue mobility, and thermodynamic stability) has been performed for this missense variant. However, the output from this modeling did not meet the statistical confidence thresholds required to predict the impact of this variant on ATM protein function. In summary, the available evidence is currently insufficient to determine the role of this variant in disease. Therefore, it has been classified as a Variant of Uncertain Significance.

Ambry Genetics
Classification: Uncertain significance for Hereditary cancer-predisposing syndrome. Last evaluated: 2019-08-12. Review status: criteria provided, single submitter. Criteria: Ambry Variant Classification Scheme 2023. Collection method: clinical testing. Allele origin: germline.
Comment: The p.D2625H variant (also known as c.7873G>C), located in coding exon 52 of the ATM gene, results from a G to C substitution at nucleotide position 7873. The aspartic acid at codon 2625 is replaced by histidine, an amino acid with similar properties. This amino acid position is highly conserved in available vertebrate species. In addition, this alteration is predicted to be deleterious by in silico analysis. Since supporting evidence is limited at this time, the clinical significance of this alteration remains unclear.

NM_000051.4(ATM):c.7873G>C (p.Asp2625His)

Genes: ATM (ATM serine/threonine kinase; plus strand), C11orf65 (chromosome 11 open reading frame 65; minus strand). Cytogenetic location: 11q22.3.
Variant type: single nucleotide variant.
Coding change: c.7873G>C on transcript NM_000051.4 (MANE Select); coding-DNA position 7873, G replaced by C.
Protein change: p.Asp2625His; replaces aspartic acid 2625 with histidine.
Molecular consequence: missense variant. On other transcripts: intron variant (2).
Genome position (GRCh38, 1-based): chr11:108,332,846, G>C. VCF-style: chr11-108332846-G-C. GRCh37 (hg19) VCF-style: chr11-108203573-G-C.
Other names: c.7873G>C, p.Asp2625His (NM_001351834.2); c.641-23775C>G (NM_001330368.2); c.*38+2374C>G (NM_001351110.2); short protein forms D2625H.
Identifiers: ClinVar variation 827300 (VCV000827300.8), dbSNP rs1272613396, ClinGen allele CA382561418.
Genomic context (GRCh38, chr11:108,332,846, plus strand): 5'-ATAATATGTACTATCAGAAGTAGGAGACCTCAGATGGTCAGAAGTGTTGAGGCACTTTGT[G>C]ATGCTTATATTATATTAGCAAACTTAGATGCCACTCAGTGGAAGACTCAGAGAAGTATGT-3'
Protein context (NP_000042.3, residues 2615-2635): QMVRSVEALC[Asp2625His]AYIILANLDA